The following is an entry in ClinVar:

ClinVar aggregate classification (germline): Uncertain significance (1 of 4 stars; one submission).

Submission:

GeneDx
Classification: Uncertain significance. Last evaluated: 2024-11-22. Review status: criteria provided, single submitter. Criteria: GeneDx Variant Classification Process June 2021. Collection method: clinical testing. Allele origin: germline. Affected: yes.
Comment: Not observed at significant frequency in large population cohorts (gnomAD); In silico analysis supports that this missense variant has a deleterious effect on protein structure/function; Has not been previously published as pathogenic or benign to our knowledge.

NM_001378452.1(ITPR1):c.7742T>C (p.Phe2581Ser)

Genes: ITPR1 (inositol 1,4,5-trisphosphate receptor type 1; plus strand), LOC126806590 (MED14-independent group 3 enhancer GRCh37_chr3:4855759-4856958; plus strand). Cytogenetic location: 3p26.1.
Variant type: single nucleotide variant.
Coding change: c.7742T>C on transcript NM_001378452.1 (MANE Select); coding-DNA position 7742, T replaced by C.
Protein change: p.Phe2581Ser; replaces phenylalanine 2581 with serine.
Molecular consequence: missense variant.
Genome position (GRCh38, 1-based): chr3:4,815,093, T>C. VCF-style: chr3-4815093-T-C. GRCh37 (hg19) VCF-style: chr3-4856777-T-C.
Other names: c.7598T>C, p.Phe2533Ser (NM_001099952.4); c.7697T>C, p.Phe2566Ser (NM_001168272.2); c.7553T>C, p.Phe2518Ser (NM_002222.7); short protein forms F2518S, F2533S, F2566S, F2581S.
Identifiers: ClinVar variation 3900521 (VCV003900521.1).